The following is an entry in ClinVar:

ClinVar aggregate classification (germline): Uncertain significance (1 of 4 stars; one submission).

Submission:

Labcorp Genetics (formerly Invitae), Labcorp
Classification: Uncertain significance. Last evaluated: 2022-10-14. Review status: criteria provided, single submitter. Criteria: Invitae Variant Classification Sherloc (09022015). Collection method: clinical testing. Allele origin: germline.
Comment: In summary, the available evidence is currently insufficient to determine the role of this variant in disease. Therefore, it has been classified as a Variant of Uncertain Significance. Algorithms developed to predict the effect of missense changes on protein structure and function (SIFT, PolyPhen-2, Align-GVGD) all suggest that this variant is likely to be disruptive. This variant has not been reported in the literature in individuals affected with SH3PXD2B-related conditions. The frequency data for this variant in the population databases is considered unreliable, as metrics indicate poor data quality at this position in the gnomAD database. This sequence change replaces proline, which is neutral and non-polar, with serine, which is neutral and polar, at codon 109 of the SH3PXD2B protein (p.Pro109Ser).

NM_001017995.3(SH3PXD2B):c.325C>T (p.Pro109Ser)

Gene: SH3PXD2B (SH3 and PX domains 2B; minus strand). Cytogenetic location: 5q35.1.
Variant type: single nucleotide variant.
Coding change: c.325C>T on transcript NM_001017995.3 (MANE Select); coding-DNA position 325, C replaced by T.
Protein change: p.Pro109Ser; replaces proline 109 with serine.
Molecular consequence: missense variant.
Genome position (GRCh38, 1-based): chr5:172,382,112, G>A on the plus strand (C>T on the coding strand, the complement: SH3PXD2B is on the minus strand). VCF-style: chr5-172382112-G-A. GRCh37 (hg19) VCF-style: chr5-171809116-G-A.
Other names: c.325C>T, p.Pro109Ser (NM_001308175.2); short protein forms P109S.
Identifiers: ClinVar variation 1963739 (VCV001963739.5), dbSNP rs1311111466, ClinGen allele CA362144771.
Genomic context (GRCh38, chr5:172,382,112, plus strand): 5'-GGTCCTCAGGTCTTGTCTCAAAGAACTGCAGCACCTCATCACACTGAGAGATGTAGGGGG[G>A]CAGCTGGATGAGGGCCTGGAGAAGAGAGACGCAGGTGAGTGCAAAGGAGGAGAGGGGGCT-3'
Protein context (NP_001017995.1, residues 99-119): DEYCKALIQL[Pro109Ser]PYISQCDEVL